The following is an entry in ClinVar:

NM_000372.5(TYR):c.1049C>T (p.Pro350Leu)

Gene: TYR (tyrosinase; plus strand). Cytogenetic location: 11q14.3.
Variant type: single nucleotide variant.
Coding change: c.1049C>T on transcript NM_000372.5 (MANE Select); coding-DNA position 1049, C replaced by T.
Protein change: p.Pro350Leu; replaces proline 350 with leucine.
Molecular consequence: missense variant.
Genome position (GRCh38, 1-based): chr11:89,227,835, C>T. VCF-style: chr11-89227835-C-T. GRCh37 (hg19) VCF-style: chr11-88961003-C-T.
Other names: c.1049C>T (NM_000372.4); short protein forms P350L.
Identifiers: ClinVar variation 3641902 (VCV003641902.3).

ClinVar aggregate classification (germline): Uncertain significance. Review status: criteria provided, multiple submitters, no conflicts (2 of 4 stars). 2 submissions from 2 submitters: Uncertain significance (2). Last evaluated 2026-04-06.

gnomAD v4.1: 1 of 1,612,510 alleles (0.000062%); highest among the groups gnomAD compares: East Asian, 0.0022%; no homozygotes.

Submissions (2):

GeneDx
Classification: Uncertain significance. Last evaluated: 2026-04-06. Review status: criteria provided, single submitter. Criteria: GeneDx Variant Classification Process June 2021. Collection method: clinical testing. Allele origin: germline.
Comment: Not observed at significant frequency in large population cohorts (gnomAD); In silico analysis supports that this missense variant has a deleterious effect on protein structure/function; Has not been previously published as pathogenic or benign to our knowledge

Labcorp Genetics (formerly Invitae), Labcorp
Classification: Uncertain significance. Last evaluated: 2024-02-18. Review status: criteria provided, single submitter. Criteria: Invitae Variant Classification Sherloc (09022015). Collection method: clinical testing. Allele origin: germline.
Comment: This sequence change replaces proline, which is neutral and non-polar, with leucine, which is neutral and non-polar, at codon 350 of the TYR protein (p.Pro350Leu). This variant is not present in population databases (gnomAD no frequency). This variant has not been reported in the literature in individuals affected with TYR-related conditions. Advanced modeling of protein sequence and biophysical properties (such as structural, functional, and spatial information, amino acid conservation, physicochemical variation, residue mobility, and thermodynamic stability) performed at Invitae indicates that this missense variant is expected to disrupt TYR protein function with a positive predictive value of 80%. In summary, the available evidence is currently insufficient to determine the role of this variant in disease. Therefore, it has been classified as a Variant of Uncertain Significance.